The following is an entry in ClinVar:

NM_212482.4(FN1):c.2632A>C (p.Ile878Leu)

Gene: FN1 (fibronectin 1; minus strand). Cytogenetic location: 2q35.
Variant type: single nucleotide variant.
Coding change: c.2632A>C on transcript NM_212482.4 (MANE Select); coding-DNA position 2632, A replaced by C.
Protein change: p.Ile878Leu; replaces isoleucine 878 with leucine.
Molecular consequence: missense variant.
Genome position (GRCh38, 1-based): chr2:215,407,208, T>G on the plus strand (A>C on the coding strand, the complement: FN1 is on the minus strand). VCF-style: chr2-215407208-T-G. GRCh37 (hg19) VCF-style: chr2-216271931-T-G.
Other names: c.2632A>C, p.Ile878Leu (NM_001306129.2, NM_001306130.2, NM_001306131.2 and 13 more transcripts); short protein forms I878L.
Identifiers: ClinVar variation 4258637 (VCV004258637.2).

ClinVar aggregate classification (germline): Uncertain significance. Review status: criteria provided, multiple submitters, no conflicts (2 of 4 stars). 2 submissions from 2 submitters: Uncertain significance (2). Last evaluated 2025-09-23.

Conditions:
Inborn genetic diseases. Identifiers: MedGen C0950123, MeSH D030342.

gnomAD v4.1: 6 of 1,614,044 alleles (0.00037%); highest among the groups gnomAD compares: Non-Finnish European, 0.00051%; no homozygotes.

Submissions (2):

Labcorp Genetics (formerly Invitae), Labcorp
Classification: Uncertain significance. Last evaluated: 2025-09-23. Review status: criteria provided, single submitter. Criteria: Invitae Variant Classification Sherloc (09022015). Collection method: clinical testing. Allele origin: germline.
Comment: This sequence change replaces isoleucine, which is neutral and non-polar, with leucine, which is neutral and non-polar, at codon 878 of the FN1 protein (p.Ile878Leu). This variant is present in population databases (rs748525241, gnomAD 0.0009%). This variant has not been reported in the literature in individuals affected with FN1-related conditions. An algorithm developed to predict the effect of missense changes on protein structure and function (PolyPhen-2) suggests that this variant is likely to be disruptive. In summary, the available evidence is currently insufficient to determine the role of this variant in disease. Therefore, it has been classified as a Variant of Uncertain Significance.

Ambry Genetics
Classification: Uncertain significance for Inborn genetic diseases. Last evaluated: 2025-08-20. Review status: criteria provided, single submitter. Criteria: Ambry Variant Classification Scheme 2023. Collection method: clinical testing. Allele origin: germline.